The following is an entry in ClinVar:

ClinVar aggregate classification (germline): Uncertain significance (1 of 4 stars; one submission).

Conditions:
Multiple sulfatase deficiency (MSD). Also called: Multiple Sulfatase Deficiency Disease; Sulfatidosis, Juvenile, Austin Type; Mucosulfatidosis. Identifiers: Orphanet 585, MedGen C0268263, MONDO:0010088, OMIM 272200.

Allele frequency attached by ClinVar (database versions not stated): TOPMed below 0.00001; gnomAD 0.00001.
gnomAD v4.1: 3 of 1,613,944 alleles (0.00019%); highest among the groups gnomAD compares: Non-Finnish European, 0.00025%; no homozygotes.

Submission:

Labcorp Genetics (formerly Invitae), Labcorp
Classification: Uncertain significance for Multiple sulfatase deficiency. Last evaluated: 2022-10-13. Review status: criteria provided, single submitter. Criteria: Invitae Variant Classification Sherloc (09022015). Collection method: clinical testing. Allele origin: germline.
Comment: This sequence change replaces tryptophan, which is neutral and slightly polar, with arginine, which is basic and polar, at codon 180 of the SUMF1 protein (p.Trp180Arg). This variant is not present in population databases (gnomAD no frequency). This variant has not been reported in the literature in individuals affected with SUMF1-related conditions. Advanced modeling of protein sequence and biophysical properties (such as structural, functional, and spatial information, amino acid conservation, physicochemical variation, residue mobility, and thermodynamic stability) performed at Invitae indicates that this missense variant is expected to disrupt SUMF1 protein function. In summary, the available evidence is currently insufficient to determine the role of this variant in disease. Therefore, it has been classified as a Variant of Uncertain Significance.

NM_182760.4(SUMF1):c.538T>A (p.Trp180Arg)

Gene: SUMF1 (sulfatase modifying factor 1; minus strand). Cytogenetic location: 3p26.1.
Variant type: single nucleotide variant.
Coding change: c.538T>A on transcript NM_182760.4 (MANE Select); coding-DNA position 538, T replaced by A.
Protein change: p.Trp180Arg; replaces tryptophan 180 with arginine.
Molecular consequence: missense variant.
Genome position (GRCh38, 1-based): chr3:4,420,128, A>T on the plus strand (T>A on the coding strand, the complement: SUMF1 is on the minus strand). VCF-style: chr3-4420128-A-T. GRCh37 (hg19) VCF-style: chr3-4461812-A-T.
Other names: c.463T>A, p.Trp155Arg (NM_001164674.2); c.538T>A, p.Trp180Arg (NM_001164675.2); short protein forms W180R, W155R.
Identifiers: ClinVar variation 2186489 (VCV002186489.1), dbSNP rs1359393370, ClinGen allele CA351633003.